The following is an entry in ClinVar:

ClinVar aggregate classification (germline): Pathogenic (1 of 4 stars; one submission).

Submission:

Labcorp Genetics (formerly Invitae), Labcorp
Classification: Pathogenic. Last evaluated: 2025-11-24. Review status: criteria provided, single submitter. Criteria: Invitae Variant Classification Sherloc (09022015). Collection method: clinical testing. Allele origin: germline.
Comment: This sequence change creates a premature translational stop signal (p.Ser272Phefs*99) in the ZNF469 gene. It is expected to result in an absent or disrupted protein product. Loss-of-function variants in ZNF469 are known to be pathogenic (PMID: 23642083, 23680354). This variant is not present in population databases (gnomAD no frequency). This variant has not been reported in the literature in individuals affected with ZNF469-related conditions. For these reasons, this variant has been classified as Pathogenic.

Literature cited by the submitters: PubMed 23642083; PubMed 23680354.

NM_001367624.2(ZNF469):c.814dup (p.Ser272fs)

Gene: ZNF469 (zinc finger protein 469; plus strand). Cytogenetic location: 16q24.2.
Variant type: Duplication.
Coding change: c.814dup on transcript NM_001367624.2 (MANE Select); coding-DNA position 814, one base duplicated (T; older notation c.814dupT).
Protein change: p.Ser272fs; shifts the reading frame from serine 272.
Molecular consequence: frameshift variant.
Genome position (GRCh38, 1-based): chr16:88,428,284, T duplicated; the last of 3 consecutive T bases (chr16:88,428,282-88,428,284); duplicating any one gives the same sequence. VCF-style (leftmost placement, unchanged base first): chr16-88428281-G-GT. GRCh37 (hg19) VCF-style: chr16-88494689-G-GT.
Other names: short protein forms S272fs.
Identifiers: ClinVar variation 4731560 (VCV004731560.1).